The following is an entry in ClinVar:

ClinVar aggregate classification (germline): Likely pathogenic (1 of 4 stars; one submission).

Conditions:
Cardiovascular phenotype. Identifiers: MedGen CN230736.

Submission:

Ambry Genetics
Classification: Likely pathogenic for Cardiovascular phenotype. Last evaluated: 2021-03-18. Review status: criteria provided, single submitter. Criteria: Ambry Variant Classification Scheme 2023. Collection method: clinical testing. Allele origin: germline.
Comment: The c.28983delT variant, located in coding exon 116 of the TTN gene, results from a deletion of one nucleotide at nucleotide position 28983, causing a translational frameshift with a predicted alternate stop codon (p.D9662Ifs*17). This exon is located in the A-band region of the N2-B isoform of the titin protein and is constitutively expressed in TTN transcripts (percent spliced in or PSI 100%). This variant was not reported in population-based cohorts in the Genome Aggregation Database (gnomAD). This alteration is expected to result in loss of function by premature protein truncation or nonsense-mediated mRNA decay. While truncating variants in TTN are present in 1-3% of the general population, truncating variants in the A-band are the most common cause of dilated cardiomyopathy (DCM) (Herman DS et al. N. Engl. J. Med., 2012 Feb;366:619-28; Roberts AM et al. Sci Transl Med, 2015 Jan;7:270ra6). TTN truncating variants encoded in constitutive exons (PSI >90%) have been found to be significantly associated with DCM regardless of their position in titin (Schafer S et al. Nat. Genet., 2017 01;49:46-53). As such, this alteration is classified as likely pathogenic.

NM_001267550.2(TTN):c.56178del (p.Asp18727fs)

Genes: TTN (titin; minus strand), TTN-AS1 (TTN antisense RNA 1; plus strand). Cytogenetic location: 2q31.2.
Variant type: Deletion.
Coding change: c.56178del on transcript NM_001267550.2 (MANE Select); coding-DNA position 56178, one base deleted (T; older notation c.56178delT).
Protein change: p.Asp18727fs; shifts the reading frame from aspartic acid 18727.
Molecular consequence: frameshift variant. On other transcripts: non-coding transcript variant (1).
Genome position (GRCh38, 1-based): chr2:178,599,723, A deleted on the plus strand (T on the coding strand, the reverse complement: TTN is on the minus strand). VCF-style (leftmost placement, unchanged base first): chr2-178599722-CA-C. GRCh37 (hg19) VCF-style: chr2-179464449-CA-C.
Other names: c.51255del, p.Asp17086fs (NM_001256850.1); c.28983del, p.Asp9662fs (NM_003319.4); c.48474del, p.Asp16159fs (NM_133378.4); c.29358del, p.Asp9787fs (NM_133432.3); c.29559del, p.Asp9854fs (NM_133437.4); c.28983delT (NM_003319.4); short protein forms D16159fs, D18727fs, D9787fs, D9854fs, D17086fs, D9662fs.
Identifiers: ClinVar variation 1797367 (VCV001797367.2), dbSNP rs2469906284, ClinGen allele CA2580064873.